The following is an entry in ClinVar:

ClinVar aggregate classification (germline): Benign/Likely benign. Review status: criteria provided, multiple submitters, no conflicts (2 of 4 stars). 4 submissions from 4 submitters: Benign (1); Likely benign (2). 1 of the submissions does not count toward it. Last evaluated 2025-05-18.

Conditions:
KATNIP-related disorder. Also called: KATNIP-related condition.

Allele frequency attached by ClinVar (database versions not stated): gnomAD exomes 0.00035; ExAC 0.00046; 1000 Genomes Project 30x 0.00078; 1000 Genomes Project 0.00080; gnomAD 0.00108; TOPMed 0.00121; ESP Exome Variant Server 0.00200.
gnomAD v4.1: 297 of 1,614,216 alleles (0.018%); highest among the groups gnomAD compares: African/African-American, 0.34%; no homozygotes.

Submissions (4):

Labcorp Genetics (formerly Invitae), Labcorp
Classification: Benign. Last evaluated: 2025-05-18. Review status: criteria provided, single submitter. Criteria: Invitae Variant Classification Sherloc (09022015). Collection method: clinical testing. Allele origin: germline.

Blueprint Genetics
Classification: Likely benign. Last evaluated: 2024-05-27. Review status: criteria provided, single submitter. Criteria: ACMG Guidelines, 2015. Collection method: clinical testing. Allele origin: germline.

Breakthrough Genomics
Classification: Likely benign. Review status: criteria provided, single submitter. Criteria: ACMG Guidelines, 2015. Collection method: not provided. Allele origin: germline. Inheritance: Autosomal recessive inheritance. Affected: yes.

PreventionGenetics, part of Exact Sciences
Classification: Likely benign for KATNIP-related condition. Last evaluated: 2019-04-30. Review status: no assertion criteria provided. Collection method: clinical testing. Allele origin: germline. Not counted in ClinVar's aggregate classification.
Comment: This variant is classified as likely benign based on ACMG/AMP sequence variant interpretation guidelines (Richards et al. 2015 PMID: 25741868, with internal and published modifications).

NM_015202.5(KATNIP):c.2928C>T (p.Arg976=)

Gene: KATNIP (katanin interacting protein; plus strand). Cytogenetic location: 16p12.1.
Variant type: single nucleotide variant.
Coding change: c.2928C>T on transcript NM_015202.5 (MANE Select); coding-DNA position 2928, C replaced by T.
Protein change: p.Arg976=; no amino-acid change (arginine 976 retained).
Molecular consequence: synonymous variant.
Genome position (GRCh38, 1-based): chr16:27,749,888, C>T. VCF-style: chr16-27749888-C-T. GRCh37 (hg19) VCF-style: chr16-27761209-C-T.
Other names: c.2928C>T (NM_015202.3).
Identifiers: ClinVar variation 715682 (VCV000715682.12), dbSNP rs147341550, ClinGen allele CA7978104.